The following is an entry in ClinVar:

ClinVar aggregate classification (germline): Uncertain significance. Review status: criteria provided, multiple submitters, no conflicts (2 of 4 stars). 3 submissions from 3 submitters: Uncertain significance (2). 1 of the submissions does not count toward it. Last evaluated 2024-09-06.

Conditions:
Bloom syndrome (BLM). Also called: Bloom-Torre-Machacek syndrome. Identifiers: Orphanet 125, MedGen C0005859, MONDO:0008876, OMIM 210900.
Hereditary cancer-predisposing syndrome. Also called: Hereditary neoplastic syndrome; Tumor predisposition; Neoplastic Syndromes, Hereditary; Hereditary Cancer Syndrome. Identifiers: Orphanet 140162, MedGen C0027672, MeSH D009386, MONDO:0015356.

Allele frequency attached by ClinVar (database versions not stated): gnomAD exomes 0.00001.

Submissions (3):

Ambry Genetics
Classification: Uncertain significance for Hereditary cancer-predisposing syndrome. Last evaluated: 2024-09-06. Review status: criteria provided, single submitter. Criteria: Ambry Variant Classification Scheme 2023. Collection method: clinical testing. Allele origin: germline.
Comment: The p.P592S variant (also known as c.1774C>T), located in coding exon 6 of the BLM gene, results from a C to T substitution at nucleotide position 1774. The proline at codon 592 is replaced by serine, an amino acid with similar properties. This amino acid position is conserved. In addition, this alteration is predicted to be tolerated by in silico analysis. Based on the available evidence, the clinical significance of this variant remains unclear.

Labcorp Genetics (formerly Invitae), Labcorp
Classification: Uncertain significance for Bloom syndrome. Last evaluated: 2024-02-02. Review status: criteria provided, single submitter. Criteria: Invitae Variant Classification Sherloc (09022015). Collection method: clinical testing. Allele origin: germline.
Comment: This sequence change replaces proline, which is neutral and non-polar, with serine, which is neutral and polar, at codon 592 of the BLM protein (p.Pro592Ser). The frequency data for this variant in the population databases is considered unreliable, as metrics indicate poor data quality at this position in the gnomAD database. This variant has not been reported in the literature in individuals affected with BLM-related conditions. ClinVar contains an entry for this variant (Variation ID: 654313). Advanced modeling of protein sequence and biophysical properties (such as structural, functional, and spatial information, amino acid conservation, physicochemical variation, residue mobility, and thermodynamic stability) performed at Invitae indicates that this missense variant is not expected to disrupt BLM protein function with a negative predictive value of 80%. In summary, the available evidence is currently insufficient to determine the role of this variant in disease. Therefore, it has been classified as a Variant of Uncertain Significance.

Natera, Inc.
Classification: Uncertain significance for Bloom syndrome. Last evaluated: 2020-09-16. Review status: no assertion criteria provided. Collection method: clinical testing. Allele origin: germline. Not counted in ClinVar's aggregate classification.

NM_000057.4(BLM):c.1774C>T (p.Pro592Ser)

Gene: BLM (BLM RecQ like helicase; plus strand). Cytogenetic location: 15q26.1.
Variant type: single nucleotide variant.
Coding change: c.1774C>T on transcript NM_000057.4 (MANE Select); coding-DNA position 1774, C replaced by T.
Protein change: p.Pro592Ser; replaces proline 592 with serine.
Molecular consequence: missense variant.
Genome position (GRCh38, 1-based): chr15:90,761,147, C>T. VCF-style: chr15-90761147-C-T. GRCh37 (hg19) VCF-style: chr15-91304377-C-T.
Other names: c.1774C>T, p.Pro592Ser (NM_001287246.2, NM_001287247.2); c.649C>T, p.Pro217Ser (NM_001287248.2); c.1774C>T (NM_000057.2); short protein forms P592S, P217S.
Identifiers: ClinVar variation 654313 (VCV000654313.11), dbSNP rs1197143678, ClinGen allele CA393843814.